The following is an entry in ClinVar:

ClinVar aggregate classification (germline): Uncertain significance. Review status: criteria provided, multiple submitters, no conflicts (2 of 4 stars). 2 submissions from 2 submitters: Uncertain significance (2). Last evaluated 2025-11-28.

gnomAD v4.1: 10 of 1,606,218 alleles (0.00062%); highest among the groups gnomAD compares: Admixed American, 0.0083%; no homozygotes.

Submissions (2):

Labcorp Genetics (formerly Invitae), Labcorp
Classification: Uncertain significance. Last evaluated: 2025-11-28. Review status: criteria provided, single submitter. Criteria: Invitae Variant Classification Sherloc (09022015). Collection method: clinical testing. Allele origin: germline.
Comment: This sequence change replaces arginine, which is basic and polar, with lysine, which is basic and polar, at codon 1832 of the CACNA1D protein (p.Arg1832Lys). This variant also falls at the last nucleotide of exon 44, which is part of the consensus splice site for this exon. This variant is present in population databases (rs568955412, gnomAD 0.003%). This variant has not been reported in the literature in individuals affected with CACNA1D-related conditions. An algorithm developed to predict the effect of missense changes on protein structure and function (PolyPhen-2) suggests that this variant is likely to be tolerated. Variants that disrupt the consensus splice site are a relatively common cause of aberrant splicing (PMID: 17576681, 9536098). Algorithms developed to predict the effect of sequence changes on RNA splicing suggest that this variant may disrupt the consensus splice site. In summary, the available evidence is currently insufficient to determine the role of this variant in disease. Therefore, it has been classified as a Variant of Uncertain Significance.

Blueprint Genetics
Classification: Uncertain significance. Last evaluated: 2024-10-03. Review status: criteria provided, single submitter. Criteria: ACMG Guidelines, 2015. Collection method: clinical testing. Allele origin: germline.

Literature cited by the submitters: PubMed 17576681 (cited by Labcorp Genetics (formerly Invitae), Labcorp); PubMed 9536098 (cited by Labcorp Genetics (formerly Invitae), Labcorp).

NM_001128840.3(CACNA1D):c.5435G>A (p.Arg1812Lys)

Gene: CACNA1D (calcium voltage-gated channel subunit alpha1 D; plus strand). Cytogenetic location: 3p21.1.
Variant type: single nucleotide variant.
Coding change: c.5435G>A on transcript NM_001128840.3 (MANE Select); coding-DNA position 5435, G replaced by A.
Protein change: p.Arg1812Lys; replaces arginine 1812 with lysine.
Molecular consequence: missense variant. On other transcripts: intron variant (1).
Genome position (GRCh38, 1-based): chr3:53,802,173, G>A. VCF-style: chr3-53802173-G-A. GRCh37 (hg19) VCF-style: chr3-53836200-G-A.
Other names: c.5495G>A, p.Arg1832Lys (NM_000720.4); c.5363+748G>A (NM_001128839.3); short protein forms R1812K, R1832K.
Identifiers: ClinVar variation 4702931 (VCV004702931.2).
Genomic context (GRCh38, chr3:53,802,173, plus strand): 5'-TCCCTCCTTCCCATGTTATGCCTTTCCTGGATAGAACCCGCTATTATGAAACTTACATTA[G>A]GTATGTGCTCATTACCTGTTTTTGTGTTAAATACTGTGATGGTATGTTACCAGCTGGCCT-3'
Protein context (NP_001122312.1, residues 1802-1822): KRTRYYETYI[Arg1812Lys]SDSGDEQLPT